The following is an entry in ClinVar:

ClinVar aggregate classification (germline): Benign/Likely benign. Review status: criteria provided, multiple submitters, no conflicts (2 of 4 stars). 12 submissions from 12 submitters: Benign (3); Likely benign (7). 2 of the submissions do not count toward it. Last evaluated 2026-01-26.

Conditions:
Thrombocytopenia 2 (THC2). Also called: ANKRD26-Related Thrombocytopenia. Identifiers: Orphanet 268322, MedGen C1861185, MONDO:0008555, OMIM 188000.

Allele frequency attached by ClinVar (database versions not stated): 1000 Genomes Project 30x 0.00078; 1000 Genomes Project 0.00100; TOPMed 0.00200; gnomAD exomes 0.00221 and 0.00333; gnomAD 0.00242 and 0.00251; ExAC 0.00243; ESP Exome Variant Server 0.00313.
gnomAD v4.1: 5,175 of 1,613,662 alleles (0.32%); highest among the groups gnomAD compares: Non-Finnish European, 0.39%; 11 homozygotes.

Submissions (12):

Labcorp Genetics (formerly Invitae), Labcorp
Classification: Benign. Last evaluated: 2026-01-26. Review status: criteria provided, single submitter. Criteria: Invitae Variant Classification Sherloc (09022015). Collection method: clinical testing. Allele origin: germline.

Mayo Clinic Laboratories, Mayo Clinic
Classification: Likely benign. Last evaluated: 2025-09-30. Review status: criteria provided, single submitter. Criteria: ACMG Guidelines, 2015. Collection method: clinical testing. Allele origin: germline. Observed: 6 variant alleles.
Comment: BS2, BP4_moderate

CeGaT Center for Human Genetics Tuebingen
Classification: Likely benign. Last evaluated: 2025-03-01. Review status: criteria provided, single submitter. Criteria: CeGaT Center For Human Genetics Tuebingen Variant Classification Criteria Version 2. Collection method: clinical testing. Allele origin: germline. Affected: yes. Observed: 5 variant alleles.
Comment: ANKRD26: BP4, BS1

Blueprint Genetics
Classification: Likely benign. Last evaluated: 2024-11-25. Review status: criteria provided, single submitter. Criteria: ACMG Guidelines, 2015. Collection method: clinical testing. Allele origin: germline.

ARUP Laboratories, Molecular Genetics and Genomics, ARUP Laboratories
Classification: Likely benign for Thrombocytopenia 2. Last evaluated: 2024-02-01. Review status: criteria provided, single submitter. Criteria: ARUP Molecular Germline Variant Investigation Process 2024. Collection method: clinical testing. Allele origin: germline.

Genome-Nilou Lab
Classification: Benign for Thrombocytopenia 2. Last evaluated: 2021-12-05. Review status: criteria provided, single submitter. Criteria: ACMG Guidelines, 2015. Collection method: clinical testing. Allele origin: germline. Affected: no.

GeneDx
Classification: Likely benign. Last evaluated: 2021-04-05. Review status: criteria provided, single submitter. Criteria: GeneDx Variant Classification Process June 2021. Collection method: clinical testing. Allele origin: germline. Affected: yes.
Comment: In silico analysis, which includes protein predictors and evolutionary conservation, supports that this variant does not alter protein structure/function; Has not been previously published as pathogenic or benign to our knowledge

Illumina Laboratory Services, Illumina
Classification: Benign for Thrombocytopenia 2. Last evaluated: 2018-01-13. Review status: criteria provided, single submitter. Criteria: ICSL Variant Classification Criteria 13 December 2019. Collection method: clinical testing. Allele origin: germline.
Comment: This variant was observed in the ICSL laboratory as part of a predisposition screen in an ostensibly healthy population. It had not been previously curated by ICSL or reported in the Human Gene Mutation Database (HGMD: prior to June 1st, 2018), and was therefore a candidate for classification through an automated scoring system. Utilizing variant allele frequency, disease prevalence and penetrance estimates, and inheritance mode, an automated score was calculated to assess if this variant is too frequent to cause the disease. Based on the score and internal cut-off values, a variant classified as benign is not then subjected to further curation. The score for this variant resulted in a classification of benign for this disease.

Genetic Services Laboratory, University of Chicago
Classification: Likely benign. Last evaluated: 2016-06-30. Review status: criteria provided, single submitter. Criteria: ACMG Guidelines, 2015. Collection method: clinical testing. Allele origin: germline. Affected: no.

Breakthrough Genomics
Classification: Likely benign. Review status: criteria provided, single submitter. Criteria: ACMG Guidelines, 2015. Collection method: not provided. Allele origin: germline. Inheritance: Autosomal dominant inheritance. Affected: yes.

Clinical Genetics DNA and cytogenetics Diagnostics Lab, Erasmus MC, Erasmus Medical Center
Classification: Likely benign. Review status: no assertion criteria provided. Collection method: clinical testing. Allele origin: germline. Affected: yes. Study: VKGL Data-share Consensus. Not counted in ClinVar's aggregate classification.

Genome Diagnostics Laboratory, University Medical Center Utrecht
Classification: Likely benign. Review status: no assertion criteria provided. Collection method: clinical testing. Allele origin: germline. Affected: yes. Study: VKGL Data-share Consensus. Not counted in ClinVar's aggregate classification.

Literature cited by the submitters: PubMed 28748566 (cited by Mayo Clinic Laboratories, Mayo Clinic); PubMed 29185836 (cited by Mayo Clinic Laboratories, Mayo Clinic).

NM_014915.3(ANKRD26):c.2332G>C (p.Glu778Gln)

Gene: ANKRD26 (ankyrin repeat domain 26; minus strand). Cytogenetic location: 10p12.1.
Variant type: single nucleotide variant.
Coding change: c.2332G>C on transcript NM_014915.3 (MANE Select); coding-DNA position 2332, G replaced by C.
Protein change: p.Glu778Gln; replaces glutamic acid 778 with glutamine.
Molecular consequence: missense variant.
Genome position (GRCh38, 1-based): chr10:27,040,008, C>G on the plus strand (G>C on the coding strand, the complement: ANKRD26 is on the minus strand). VCF-style: chr10-27040008-C-G. GRCh37 (hg19) VCF-style: chr10-27328937-C-G.
Other names: p.Glu778Gln; c.2329G>C, p.Glu777Gln (NM_001256053.2); short protein forms E778Q, E777Q.
Identifiers: ClinVar variation 434202 (VCV000434202.45), dbSNP rs139949439, ClinGen allele CA5448252.